The following is an entry in ClinVar:

ClinVar aggregate classification (germline): Uncertain significance (1 of 4 stars; one submission).

Allele frequency attached by ClinVar (database versions not stated): TOPMed below 0.00001; gnomAD 0.00001.
gnomAD v4.1: 1 of 1,613,986 alleles (0.000062%); highest among the groups gnomAD compares: Admixed American, 0.0017%; no homozygotes.

Submission:

GeneDx
Classification: Uncertain significance. Last evaluated: 2021-10-12. Review status: criteria provided, single submitter. Criteria: GeneDx Variant Classification Process June 2021. Collection method: clinical testing. Allele origin: germline. Affected: yes.
Comment: Not observed in large population cohorts (Lek et al., 2016); In silico analysis supports that this missense variant does not alter protein structure/function; Has not been previously published as pathogenic or benign to our knowledge

NM_198999.3(SLC26A5):c.1299A>C (p.Glu433Asp)

Gene: SLC26A5 (solute carrier family 26 member 5; minus strand). Cytogenetic location: 7q22.1.
Variant type: single nucleotide variant.
Coding change: c.1299A>C on transcript NM_198999.3 (MANE Select); coding-DNA position 1299, A replaced by C.
Protein change: p.Glu433Asp; replaces glutamic acid 433 with aspartic acid.
Molecular consequence: missense variant. On other transcripts: non-coding transcript variant (4), intron variant (1).
Genome position (GRCh38, 1-based): chr7:103,390,441, T>G on the plus strand (A>C on the coding strand, the complement: SLC26A5 is on the minus strand). VCF-style: chr7-103390441-T-G. GRCh37 (hg19) VCF-style: chr7-103030888-T-G.
Other names: c.1299A>C, p.Glu433Asp (NM_001167962.2, NM_001321787.2, NM_206883.3 and 1 more transcripts); c.971+7491A>C (NM_206885.3); short protein forms E433D.
Identifiers: ClinVar variation 1300959 (VCV001300959.2), dbSNP rs1822552456, ClinGen allele CA368758751.